The following is an entry in ClinVar:

ClinVar aggregate classification (germline): Uncertain significance (1 of 4 stars; one submission).

Conditions:
Deficiency of acetyl-CoA acetyltransferase. Also called: Beta-ketothiolase deficiency; 3-KETOTHIOLASE DEFICIENCY; 3-OXOTHIOLASE DEFICIENCY; MITOCHONDRIAL ACETOACETYL-CoA THIOLASE DEFICIENCY. Identifiers: Orphanet 134, MedGen C1536500, MONDO:0008760, OMIM 203750. Disease mechanism: loss of function.

Submission:

Labcorp Genetics (formerly Invitae), Labcorp
Classification: Uncertain significance for Deficiency of acetyl-CoA acetyltransferase. Last evaluated: 2023-09-06. Review status: criteria provided, single submitter. Criteria: Invitae Variant Classification Sherloc (09022015). Collection method: clinical testing. Allele origin: germline.
Comment: In summary, the available evidence is currently insufficient to determine the role of this variant in disease. Therefore, it has been classified as a Variant of Uncertain Significance. Algorithms developed to predict the effect of sequence changes on RNA splicing suggest that this variant may create or strengthen a splice site. Advanced modeling of protein sequence and biophysical properties (such as structural, functional, and spatial information, amino acid conservation, physicochemical variation, residue mobility, and thermodynamic stability) has been performed at Invitae for this missense variant, however the output from this modeling did not meet the statistical confidence thresholds required to predict the impact of this variant on ACAT1 protein function. This variant has not been reported in the literature in individuals affected with ACAT1-related conditions. This variant is not present in population databases (gnomAD no frequency). This sequence change replaces cysteine, which is neutral and slightly polar, with glycine, which is neutral and non-polar, at codon 119 of the ACAT1 protein (p.Cys119Gly).

NM_000019.4(ACAT1):c.355T>G (p.Cys119Gly)

Gene: ACAT1 (acetyl-CoA acetyltransferase 1; plus strand). Cytogenetic location: 11q22.3.
Variant type: single nucleotide variant.
Coding change: c.355T>G on transcript NM_000019.4 (MANE Select); coding-DNA position 355, T replaced by G.
Protein change: p.Cys119Gly; replaces cysteine 119 with glycine.
Molecular consequence: missense variant. On other transcripts: non-coding transcript variant (1), intron variant (1).
Genome position (GRCh38, 1-based): chr11:108,135,162, T>G. VCF-style: chr11-108135162-T-G. GRCh37 (hg19) VCF-style: chr11-108005889-T-G.
Other names: c.355T>G, p.Cys119Gly (NM_001386677.1); c.58T>G, p.Cys20Gly (NM_001386679.1); c.85T>G, p.Cys29Gly (NM_001386681.1, NM_001386682.1, NM_001386685.1 and 6 more transcripts); c.120+3208T>G (NM_001386678.1); short protein forms C29G, C119G, C20G.
Identifiers: ClinVar variation 2754910 (VCV002754910.3), dbSNP rs1401151306, ClinGen allele CA382506720.